The following is an entry in ClinVar:

ClinVar aggregate classification (germline): Uncertain significance (1 of 4 stars; one submission).

Submission:

Labcorp Genetics (formerly Invitae), Labcorp
Classification: Uncertain significance. Last evaluated: 2023-06-15. Review status: criteria provided, single submitter. Criteria: Invitae Variant Classification Sherloc (09022015). Collection method: clinical testing. Allele origin: germline.
Comment: This sequence change falls in intron 26 of the FCHO1 gene. It does not directly change the encoded amino acid sequence of the FCHO1 protein. This variant is not present in population databases (gnomAD no frequency). This variant has not been reported in the literature in individuals affected with FCHO1-related conditions. Algorithms developed to predict the effect of sequence changes on RNA splicing suggest that this variant may create or strengthen a splice site. In summary, the available evidence is currently insufficient to determine the role of this variant in disease. Therefore, it has been classified as a Variant of Uncertain Significance.

NM_015122.3(FCHO1):c.2427-9_2427-6del

Gene: FCHO1 (FCH and mu domain containing endocytic adaptor 1; plus strand). Cytogenetic location: 19p13.11.
Variant type: Deletion.
Coding change: c.2427-9_2427-6del on transcript NM_015122.3 (MANE Select); 9 bases into the intron before coding-DNA position 2427 through 6 bases into the intron before coding-DNA position 2427, 4 bases deleted (CTCT; older notation c.2427-9_2427-6delCTCT).
Molecular consequence: intron variant.
Genome position (GRCh38, 1-based): chr19:17,786,565-17,786,568, CTCT deleted; deleting any 4 consecutive bases within chr19:17,786,564-17,786,568 gives the same sequence; the c. name uses the placement nearest the transcript's 3' end. VCF-style (leftmost placement, unchanged base first): chr19-17786563-TTCTC-T. GRCh37 (hg19) VCF-style: chr19-17897372-TTCTC-T.
Other names: c.2427-9_2427-6del (NM_001384370.1, NM_001384376.1, NM_001384375.1 and 11 more transcripts); c.2151-9_2151-6del (NM_001384396.1, NM_001384398.1, NM_001384400.1 and 4 more transcripts); c.1951-9_1951-6del (NM_001384404.1); c.2352-9_2352-6del (NM_001384390.1); c.1801-9_1801-6del (NM_001384406.1); c.1524-9_1524-6del (NM_001384407.1); c.2227-9_2227-6del (NM_001384391.1); c.2310-9_2310-6del (NM_001384393.1, NM_001384394.1, NM_001384392.1 and 1 more transcripts); and 5 more.
Identifiers: ClinVar variation 2987060 (VCV002987060.3), dbSNP rs2514358018, ClinGen allele CA2583415100.